The following is an entry in ClinVar:

NM_002458.3(MUC5B):c.9660C>T (p.Thr3220=)

Genes: MUC5B (mucin 5B, oligomeric mucus/gel-forming; plus strand), MUC5B-AS1 (MUC5B antisense RNA 1; minus strand). Cytogenetic location: 11p15.5.
Variant type: single nucleotide variant.
Coding change: c.9660C>T on transcript NM_002458.3 (MANE Select); coding-DNA position 9660, C replaced by T.
Protein change: p.Thr3220=; no amino-acid change (threonine 3220 retained).
Molecular consequence: synonymous variant.
Genome position (GRCh38, 1-based): chr11:1,246,540, C>T. VCF-style: chr11-1246540-C-T. GRCh37 (hg19) VCF-style: chr11-1267770-C-T.
Identifiers: ClinVar variation 2641254 (VCV002641254.24), dbSNP rs374646616, ClinGen allele CA5807093.

ClinVar aggregate classification (germline): Likely benign (1 of 4 stars; one submission).

Allele frequency attached by ClinVar (database versions not stated): 1000 Genomes Project 30x 0.00031; TOPMed 0.00036; ExAC 0.00039; 1000 Genomes Project 0.00040; gnomAD 0.00045; ESP Exome Variant Server 0.00047.
gnomAD v4.1: 1,206 of 1,613,366 alleles (0.075%); highest among the groups gnomAD compares: Non-Finnish European, 0.093%; 1 homozygote.

Submission:

CeGaT Center for Human Genetics Tuebingen
Classification: Likely benign. Last evaluated: 2022-06-01. Review status: criteria provided, single submitter. Criteria: CeGaT Center For Human Genetics Tuebingen Variant Classification Criteria Version 2. Collection method: clinical testing. Allele origin: germline. Affected: yes. Observed: 1 variant allele.
Comment: MUC5B: BP4, BP7